The following is an entry in ClinVar:

ClinVar aggregate classification (germline): Benign/Likely benign. Review status: criteria provided, multiple submitters, no conflicts (2 of 4 stars). 5 submissions from 5 submitters: Benign (4); Likely benign (1). Last evaluated 2026-02-04.

Conditions:
Trichohepatoenteric syndrome 2 (THES2). Identifiers: Orphanet 84064, MedGen C3281289, MONDO:0013818, OMIM 614602.

Allele frequency attached by ClinVar (database versions not stated): gnomAD 0.19166 and 0.18914; 1000 Genomes Project 0.20148; ESP Exome Variant Server 0.19172; gnomAD exomes 0.14490; ExAC 0.15023; TOPMed 0.20419; 1000 Genomes Project 30x 0.20503.
gnomAD v4.1: 230,429 of 1,612,372 alleles (14%); highest among the groups gnomAD compares: African/African-American, 34%; 19,202 homozygotes.

Submissions (8):

Labcorp Genetics (formerly Invitae), Labcorp
Classification: Benign. Last evaluated: 2026-02-04. Review status: criteria provided, single submitter. Criteria: Invitae Variant Classification Sherloc (09022015). Collection method: clinical testing. Allele origin: germline.

Women's Health and Genetics/Laboratory Corporation of America, LabCorp
Classification: Likely benign. Last evaluated: 2021-12-03. Review status: criteria provided, single submitter. Criteria: LabCorp Variant Classification Summary - May 2015. Collection method: clinical testing. Allele origin: germline.

Mayo Clinic Laboratories, Mayo Clinic
Classification: Benign. Last evaluated: 2019-02-26. Review status: criteria provided, single submitter. Criteria: ACMG Guidelines, 2015. Collection method: clinical testing. Allele origin: germline. Observed: 184 variant alleles.

Illumina Laboratory Services, Illumina
Classification: Benign for Trichohepatoenteric syndrome 2. Last evaluated: 2018-01-13. Review status: criteria provided, single submitter. Criteria: ICSL Variant Classification Criteria 13 December 2019. Collection method: clinical testing. Allele origin: germline.
Comment: This variant was observed in the ICSL laboratory as part of a predisposition screen in an ostensibly healthy population. It had not been previously curated by ICSL or reported in the Human Gene Mutation Database (HGMD: prior to June 1st, 2018), and was therefore a candidate for classification through an automated scoring system. Utilizing variant allele frequency, disease prevalence and penetrance estimates, and inheritance mode, an automated score was calculated to assess if this variant is too frequent to cause the disease. Based on the score and internal cut-off values, a variant classified as benign is not then subjected to further curation. The score for this variant resulted in a classification of benign for this disease.

Laboratory for Molecular Medicine, Mass General Brigham Personalized Medicine
Classification: Benign. Last evaluated: 2016-03-29. Review status: criteria provided, single submitter. Criteria: LMM Criteria. Collection method: clinical testing. Allele origin: germline.
Comment: Variant identified in a genome or exome case(s) and assessed due to predicted null impact of the variant or pathogenic assertions in the literature or databases. Disclaimer: This variant has not undergone full assessment. The following are preliminary notes: Frequency

Dr. Peter K. Rogan Lab, Western University
No classification provided (evidence only). Condition: Malignant lymphoma, large B-cell, diffuse. Review status: no classification provided. Collection method: in vitro. Allele origin: not applicable. Functional consequence: retained intron. Not counted in ClinVar's aggregate classification.

Dr. Peter K. Rogan Lab, Western University
No classification provided (evidence only). Condition: Uveal melanoma. Review status: no classification provided. Collection method: in vitro. Allele origin: not applicable. Functional consequence: retained intron. Not counted in ClinVar's aggregate classification.

Dr. Peter K. Rogan Lab, Western University
No classification provided (evidence only). Condition: Uveal melanoma. Review status: no classification provided. Collection method: in vitro. Allele origin: not applicable. Functional consequence: retained intron. Not counted in ClinVar's aggregate classification.

NM_006929.5(SKIC2):c.3212C>T (p.Ala1071Val)

Gene: SKIC2 (SKI2 subunit of superkiller complex; plus strand). Cytogenetic location: 6p21.33.
Variant type: single nucleotide variant.
Coding change: c.3212C>T on transcript NM_006929.5 (MANE Select); coding-DNA position 3212, C replaced by T.
Protein change: p.Ala1071Val; replaces alanine 1071 with valine.
Molecular consequence: missense variant.
Genome position (GRCh38, 1-based): chr6:31,968,902, C>T. VCF-style: chr6-31968902-C-T. GRCh37 (hg19) VCF-style: chr6-31936679-C-T.
Other names: short protein forms A1071V.
Identifiers: ClinVar variation 356346 (VCV000356346.18), dbSNP rs449643, ClinGen allele CA3730008.
Genomic context (GRCh38, chr6:31,968,902, plus strand): 5'-GTGTCCAATGCCCACCCTTTTTCTTGCAGGTGCTCCGAACCCTGGGTTATGTGGACGAGG[C>T]GGGCACTGTGAAGCTGGCAGGGCGGGTGGCTTGTGCCATGAGCAGCCATGAGTTGCTCCT-3'
Protein context (NP_008860.4, residues 1061-1081): VLRTLGYVDE[Ala1071Val]GTVKLAGRVA